The following is an entry in ClinVar:

NM_017988.6(SCYL2):c.298C>T (p.Arg100Ter)

Gene: SCYL2 (SCY1 like pseudokinase 2; plus strand). Cytogenetic location: 12q23.1.
Variant type: single nucleotide variant.
Coding change: c.298C>T on transcript NM_017988.6 (MANE Select); coding-DNA position 298, C replaced by T.
Protein change: p.Arg100Ter; replaces arginine 100 with a stop codon.
Molecular consequence: nonsense. On other transcripts: 5 prime UTR variant (1).
Genome position (GRCh38, 1-based): chr12:100,291,623, C>T. VCF-style: chr12-100291623-C-T. GRCh37 (hg19) VCF-style: chr12-100685401-C-T.
Other names: c.298C>T, p.Arg100Ter (NM_001317784.2, NM_001330253.2, NM_001330254.2); c.-358C>T (NM_001330256.2); short protein forms R100*.
Identifiers: ClinVar variation 2288887 (VCV002288887.2), dbSNP rs1474619680, ClinGen allele CA386211203.

ClinVar aggregate classification (germline): Pathogenic (1 of 4 stars; one submission).

Conditions:
Inborn genetic diseases. Identifiers: MedGen C0950123, MeSH D030342.

Allele frequency attached by ClinVar (database versions not stated): gnomAD exomes below 0.00001; gnomAD 0.00001; TOPMed 0.00001.
gnomAD v4.1: 2 of 1,599,642 alleles (0.00013%); highest among the groups gnomAD compares: Non-Finnish European, 0.000085%; no homozygotes.

Submission:

Ambry Genetics
Classification: Pathogenic for Inborn genetic diseases. Last evaluated: 2022-07-07. Review status: criteria provided, single submitter. Criteria: Ambry Variant Classification Scheme 2023. Collection method: clinical testing. Allele origin: germline.
Comment: The c.298C>T (p.R100*) alteration, located in exon 3 (coding exon 2) of the SCYL2 gene, consists of a C to T substitution at nucleotide position 298. This changes the amino acid from an arginine (R) to a stop codon at amino acid position 100. This alteration is expected to result in loss of function by premature protein truncation or nonsense-mediated mRNA decay. Based on data from gnomAD, the T allele has an overall frequency of <0.01% (2/270542) total alleles studied. The highest observed frequency was 0.01% (1/10168) of Ashkenazi Jewish alleles. Based on the available evidence, this alteration is classified as pathogenic.